The following is an entry in ClinVar:

ClinVar aggregate classification (germline): Uncertain significance (1 of 4 stars; one submission).

Conditions:
MHC class I deficiency. Identifiers: Orphanet 34592, MedGen C6024714, MONDO:0011476.

Allele frequency attached by ClinVar (database versions not stated): gnomAD exomes below 0.00001 and 0.00001.
gnomAD v4.1: 4 of 1,613,000 alleles (0.00025%); highest among the groups gnomAD compares: Admixed American, 0.0017%; no homozygotes.

Submission:

Labcorp Genetics (formerly Invitae), Labcorp
Classification: Uncertain significance for MHC class I deficiency 1. Last evaluated: 2019-09-26. Review status: criteria provided, single submitter. Criteria: Invitae Variant Classification Sherloc (09022015). Collection method: clinical testing. Allele origin: germline.
Comment: In summary, the available evidence is currently insufficient to determine the role of this variant in disease. Therefore, it has been classified as a Variant of Uncertain Significance. Algorithms developed to predict the effect of missense changes on protein structure and function output the following: SIFT: "Tolerated"; PolyPhen-2: "Benign"; Align-GVGD: "Class C0". The arginine amino acid residue is found in multiple mammalian species, suggesting that this missense change does not adversely affect protein function. These predictions have not been confirmed by published functional studies and their clinical significance is uncertain. This variant has not been reported in the literature in individuals with TAP1-related conditions. This variant is not present in population databases (ExAC no frequency). This sequence change replaces cysteine with arginine at codon 722 of the TAP1 protein (p.Cys722Arg). The cysteine residue is weakly conserved and there is a large physicochemical difference between cysteine and arginine.

NM_000593.6(TAP1):c.1984T>C (p.Cys662Arg)

Gene: TAP1 (transporter 1, ATP binding cassette subfamily B member; minus strand). Cytogenetic location: 6p21.32.
Variant type: single nucleotide variant.
Coding change: c.1984T>C on transcript NM_000593.6 (MANE Select); coding-DNA position 1984, T replaced by C.
Protein change: p.Cys662Arg; replaces cysteine 662 with arginine.
Molecular consequence: missense variant.
Genome position (GRCh38, 1-based): chr6:32,847,124, A>G on the plus strand (T>C on the coding strand, the complement: TAP1 is on the minus strand). VCF-style: chr6-32847124-A-G. GRCh37 (hg19) VCF-style: chr6-32814901-A-G.
Other names: c.1381T>C, p.Cys461Arg (NM_001292022.2); short protein forms C461R, C662R.
Identifiers: ClinVar variation 942470 (VCV000942470.9), dbSNP rs1263624622, ClinGen allele CA363590796.
Genomic context (GRCh38, chr6:32,847,124, plus strand): 5'-TCACCTGTAACTGGCTGTTTGCATCCAGGGCACTGGTGGCATCATCCAGGATAAGTACAC[A>G]CGGTTTCCGGATCAATGCTCGGGCCAACGCCACTGCCTGTCGCTGACCCCCTGACAGCTG-3'
Protein context (NP_000584.3, residues 652-672): ALARALIRKP[Cys662Arg]VLILDDATSA